The following is an entry in ClinVar:

NM_001256789.3(CACNA1F):c.247C>T (p.Arg83Trp)

Gene: CACNA1F (calcium voltage-gated channel subunit alpha1 F; minus strand). Cytogenetic location: Xp11.23.
Variant type: single nucleotide variant.
Coding change: c.247C>T on transcript NM_001256789.3 (MANE Select); coding-DNA position 247, C replaced by T.
Protein change: p.Arg83Trp; replaces arginine 83 with tryptophan.
Molecular consequence: missense variant. On other transcripts: intron variant (1).
Genome position (GRCh38, 1-based): chrX:49,231,706, G>A on the plus strand (C>T on the coding strand, the complement: CACNA1F is on the minus strand). VCF-style: chrX-49231706-G-A. GRCh37 (hg19) VCF-style: chrX-49088168-G-A.
Other names: c.247C>T, p.Arg83Trp (NM_005183.4); c.66-14C>T (NM_001256790.3); short protein forms R83W.
Identifiers: ClinVar variation 2991773 (VCV002991773.3), dbSNP rs782384281, ClinGen allele CA10411115.
Genomic context (GRCh38, chrX:49,231,706, plus strand): 5'-CCCCTGGGCCCTGCCCCTGCCTTCCAGGATGCTTCCACTCCACGATGCTGATGCAGGACC[G>A]TCGCAGAGGATTGGCCAGGGTGAGGCAGAAGAGTGCCCGAGGTGACCGCTGGGCACTGGC-3'
Protein context (NP_001243718.1, residues 73-93): FCLTLANPLR[Arg83Trp]SCISIVEWKP

ClinVar aggregate classification (germline): Uncertain significance (1 of 4 stars; one submission).

Allele frequency attached by ClinVar (database versions not stated): ExAC 0.00001; gnomAD 0.00002.

Submission:

Labcorp Genetics (formerly Invitae), Labcorp
Classification: Uncertain significance. Last evaluated: 2023-09-20. Review status: criteria provided, single submitter. Criteria: Invitae Variant Classification Sherloc (09022015). Collection method: clinical testing. Allele origin: germline.
Comment: An algorithm developed to predict the effect of missense changes on protein structure and function (PolyPhen-2) suggests that this variant is likely to be disruptive. This variant has not been reported in the literature in individuals affected with CACNA1F-related conditions. This variant is present in population databases (rs782384281, gnomAD 0.02%). This sequence change replaces arginine, which is basic and polar, with tryptophan, which is neutral and slightly polar, at codon 83 of the CACNA1F protein (p.Arg83Trp). In summary, the available evidence is currently insufficient to determine the role of this variant in disease. Therefore, it has been classified as a Variant of Uncertain Significance.